The following is an entry in ClinVar:

ClinVar aggregate classification (germline): Conflicting classifications of pathogenicity. Review status: criteria provided, conflicting classifications (1 of 4 stars). 2 submissions from 2 submitters: Uncertain significance (1); Likely benign (1). Last evaluated 2026-01-25.

Conditions:
Congenital myasthenic syndrome 20. Also called: Myasthenic syndrome, congenital, 20, presynaptic. Identifiers: MedGen C4310694, MONDO:0014939, OMIM 617143.
Neuronopathy, distal hereditary motor, type 7A. Also called: Neuronopathy, distal hereditary motor, type viia; SPINAL MUSCULAR ATROPHY, DISTAL, WITH VOCAL CORD PARALYSIS; NEURONOPATHY, DISTAL HEREDITARY MOTOR, HARDING TYPE VIIA; NEUROPATHY, DISTAL HEREDITARY MOTOR, HARDING TYPE VIIA; Neuronopathy, distal hereditary motor, autosomal dominant 7; HARPER-YOUNG MYOPATHY. Identifiers: Orphanet 139589, MedGen C1834703, MONDO:0008024, OMIM 158580.
Inborn genetic diseases. Identifiers: MedGen C0950123, MeSH D030342.

Allele frequency attached by ClinVar (database versions not stated): TOPMed 0.00002; ExAC 0.00003; gnomAD 0.00005 and 0.00002; gnomAD exomes 0.00006 and 0.00007.
gnomAD v4.1: 104 of 1,613,742 alleles (0.0064%); highest among the groups gnomAD compares: East Asian, 0.045%; no homozygotes.

Submissions (2):

Labcorp Genetics (formerly Invitae), Labcorp
Classification: Uncertain significance for Neuronopathy, distal hereditary motor, type 7A; Congenital myasthenic syndrome 20. Last evaluated: 2026-01-25. Review status: criteria provided, single submitter. Criteria: Invitae Variant Classification Sherloc (09022015). Collection method: clinical testing. Allele origin: germline.
Comment: This sequence change replaces valine, which is neutral and non-polar, with isoleucine, which is neutral and non-polar, at codon 416 of the SLC5A7 protein (p.Val416Ile). The frequency data for this variant in the population databases is considered unreliable, as metrics indicate poor data quality at this position in the gnomAD database. This variant has not been reported in the literature in individuals affected with SLC5A7-related conditions. ClinVar contains an entry for this variant (Variation ID: 580407). Invitae Evidence Modeling of protein sequence and biophysical properties (such as structural, functional, and spatial information, amino acid conservation, physicochemical variation, residue mobility, and thermodynamic stability) indicates that this missense variant is not expected to disrupt SLC5A7 protein function with a negative predictive value of 80%. In summary, the available evidence is currently insufficient to determine the role of this variant in disease. Therefore, it has been classified as a Variant of Uncertain Significance.

Ambry Genetics
Classification: Likely benign for Inborn genetic diseases. Last evaluated: 2025-08-22. Review status: criteria provided, single submitter. Criteria: Ambry Variant Classification Scheme 2023. Collection method: clinical testing. Allele origin: germline.

NM_021815.5(SLC5A7):c.1246G>A (p.Val416Ile)

Gene: SLC5A7 (solute carrier family 5 member 7; plus strand). Cytogenetic location: 2q12.3.
Variant type: single nucleotide variant.
Coding change: c.1246G>A on transcript NM_021815.5 (MANE Select); coding-DNA position 1246, G replaced by A.
Protein change: p.Val416Ile; replaces valine 416 with isoleucine.
Molecular consequence: missense variant.
Genome position (GRCh38, 1-based): chr2:108,010,364, G>A. VCF-style: chr2-108010364-G-A. GRCh37 (hg19) VCF-style: chr2-108626820-G-A.
Other names: c.1246G>A, p.Val416Ile (NM_001305005.3); c.931G>A, p.Val311Ile (NM_001305006.3); c.505G>A, p.Val169Ile (NM_001305007.3); short protein forms V416I, V169I, V311I.
Identifiers: ClinVar variation 580407 (VCV000580407.9), dbSNP rs759833850, ClinGen allele CA1819152.
Genomic context (GRCh38, chr2:108,010,364, plus strand): 5'-GCCTTGCTGACGAAAACTGTGTATGGGCTCTGGTACCTCAGTTCTGACCTTGTTTACATC[G>A]TTATCTTCCCCCAGCTGCTTTGTGTACTCTTTGTTAAGGGAACCAACACCTATGGGGCCG-3'
Protein context (NP_068587.1, residues 406-426): WYLSSDLVYI[Val416Ile]IFPQLLCVLF